The following is an entry in ClinVar:

NM_001365536.1(SCN9A):c.5796G>A (p.Met1932Ile)

Genes: SCN9A (sodium voltage-gated channel alpha subunit 9; minus strand), SCN1A-AS1 (SCN1A and SCN9A antisense RNA 1; plus strand). Cytogenetic location: 2q24.3.
Variant type: single nucleotide variant.
Coding change: c.5796G>A on transcript NM_001365536.1 (MANE Select); coding-DNA position 5796, G replaced by A.
Protein change: p.Met1932Ile; replaces methionine 1932 with isoleucine.
Molecular consequence: missense variant.
Genome position (GRCh38, 1-based): chr2:166,198,843, C>T on the plus strand (G>A on the coding strand, the complement: SCN9A is on the minus strand). VCF-style: chr2-166198843-C-T. GRCh37 (hg19) VCF-style: chr2-167055353-C-T.
Other names: c.5763G>A, p.Met1921Ile (NM_002977.4); short protein forms M1921I, M1932I.
Identifiers: ClinVar variation 1042511 (VCV001042511.10), dbSNP rs1693330912, ClinGen allele CA349051479.
Genomic context (GRCh38, chr2:166,198,843, plus strand): 5'-GGTGGATGAAGTGGCATCTGTTTTTTCTGGACTTGAGTTCTCATTAACATTATCAAAAGC[C>T]ATATCTTTTTTATTGAGTAAATCATCATCTCTGTCTCCATCTTTTATGTATATACTTGAT-3'
Protein context (NP_001352465.1, residues 1922-1942): RDDDLLNKKD[Met1932Ile]AFDNVNENSS

ClinVar aggregate classification (germline): Uncertain significance. Review status: criteria provided, multiple submitters, no conflicts (2 of 4 stars). 2 submissions from 2 submitters: Uncertain significance (2). Last evaluated 2024-12-19.

Conditions:
Neuropathy, hereditary sensory and autonomic, type 2A (HSAN2A). Also called: WNK1-Related HSAN2 (HSAN2A); MORVAN DISEASE; NEUROPATHY, CONGENITAL SENSORY; NEUROPATHY, HEREDITARY SENSORY RADICULAR, AUTOSOMAL RECESSIVE; NEUROPATHY, HEREDITARY SENSORY, TYPE IIA; NEUROPATHY, PROGRESSIVE SENSORY, OF CHILDREN. Identifiers: Orphanet 970, MedGen C2752089, MONDO:0024309, OMIM 201300.
Generalized epilepsy with febrile seizures plus, type 7 (GEFSP7). Also called: GEFS+, TYPE 7. Identifiers: Orphanet 36387, MedGen C2751778, MONDO:0013470, OMIM 613863.
Inborn genetic diseases. Identifiers: MedGen C0950123, MeSH D030342.

Submissions (2):

Labcorp Genetics (formerly Invitae), Labcorp
Classification: Uncertain significance for Neuropathy, hereditary sensory and autonomic, type 2A; Generalized epilepsy with febrile seizures plus, type 7. Last evaluated: 2024-12-19. Review status: criteria provided, single submitter. Criteria: Invitae Variant Classification Sherloc (09022015). Collection method: clinical testing. Allele origin: germline.
Comment: This sequence change replaces methionine, which is neutral and non-polar, with isoleucine, which is neutral and non-polar, at codon 1921 of the SCN9A protein (p.Met1921Ile). This variant is not present in population databases (gnomAD no frequency). This variant has not been reported in the literature in individuals affected with SCN9A-related conditions. ClinVar contains an entry for this variant (Variation ID: 1042511). An algorithm developed to predict the effect of missense changes on protein structure and function outputs the following: PolyPhen-2: "Benign". The isoleucine amino acid residue is found in multiple mammalian species, which suggests that this missense change does not adversely affect protein function. In summary, the available evidence is currently insufficient to determine the role of this variant in disease. Therefore, it has been classified as a Variant of Uncertain Significance.

Ambry Genetics
Classification: Uncertain significance for Inborn genetic diseases. Last evaluated: 2024-02-28. Review status: criteria provided, single submitter. Criteria: Ambry Variant Classification Scheme 2023. Collection method: clinical testing. Allele origin: germline.